The following is an entry in ClinVar:

ClinVar aggregate classification (germline): Likely benign (1 of 4 stars; one submission).

Conditions:
POLR3B-related disorder. Also called: POLR3B-related condition; POLR3B-related disorders. Identifiers: MedGen CN378588, MONDO:0700277.

Submission:

PreventionGenetics, part of Exact Sciences
Classification: Likely benign for POLR3B-related condition. Last evaluated: 2025-11-02. Review status: criteria provided, single submitter. Criteria: ACMG Guidelines, 2015. Collection method: clinical testing. Allele origin: germline.
Comment: This variant is classified as likely benign based on ACMG/AMP sequence variant interpretation guidelines (Richards et al. 2015 PMID: 25741868, with internal and published modifications).

NM_018082.6(POLR3B):c.2019A>G (p.Pro673=)

Gene: POLR3B (RNA polymerase III subunit B; plus strand). Cytogenetic location: 12q23.3.
Variant type: single nucleotide variant.
Coding change: c.2019A>G on transcript NM_018082.6 (MANE Select); coding-DNA position 2019, A replaced by G.
Protein change: p.Pro673=; no amino-acid change (proline 673 retained).
Molecular consequence: synonymous variant.
Genome position (GRCh38, 1-based): chr12:106,444,526, A>G. VCF-style: chr12-106444526-A-G. GRCh37 (hg19) VCF-style: chr12-106838304-A-G.
Other names: c.1845A>G, p.Pro615= (NM_001160708.2).
Identifiers: ClinVar variation 4989817 (VCV004989817.1).